The following is an entry in ClinVar:

NM_001042492.3(NF1):c.4481A>G (p.His1494Arg)

Gene: NF1 (neurofibromin 1; plus strand). Cytogenetic location: 17q11.2.
Variant type: single nucleotide variant.
Coding change: c.4481A>G on transcript NM_001042492.3 (MANE Select); coding-DNA position 4481, A replaced by G.
Protein change: p.His1494Arg; replaces histidine 1494 with arginine.
Molecular consequence: missense variant.
Genome position (GRCh38, 1-based): chr17:31,260,419, A>G. VCF-style: chr17-31260419-A-G. GRCh37 (hg19) VCF-style: chr17-29587437-A-G.
Other names: c.4418A>G, p.His1473Arg (NM_000267.4); short protein forms H1494R, H1473R.
Identifiers: ClinVar variation 1505409 (VCV001505409.9), dbSNP rs769417700, ClinGen allele CA8486428.
Genomic context (GRCh38, chr17:31,260,419, plus strand): 5'-ATTTTTGAAGGTTTTTCCTTGATATAGCATCTGATTGTCCTACAAGTGATGCAGTAAATC[A>G]TAGTCTTTCCTTCATAAGTGACGGCAATGTGCTTGCTTTACATCGTCTACTCTGGAACAA-3'
Protein context (NP_001035957.1, residues 1484-1504): SDCPTSDAVN[His1494Arg]SLSFISDGNV

ClinVar aggregate classification (germline): Uncertain significance. Review status: criteria provided, multiple submitters, no conflicts (2 of 4 stars). 2 submissions from 2 submitters: Uncertain significance (2). Last evaluated 2023-02-04.

Conditions:
Hereditary cancer-predisposing syndrome. Also called: Tumor predisposition; Hereditary neoplastic syndrome; Neoplastic Syndromes, Hereditary; Hereditary Cancer Syndrome. Identifiers: Orphanet 140162, MedGen C0027672, MeSH D009386, MONDO:0015356.
Cardiovascular phenotype. Identifiers: MedGen CN230736.
Neurofibromatosis, type 1 (NF1). Also called: VON RECKLINGHAUSEN DISEASE; NEUROFIBROMATOSIS, TYPE I, SOMATIC; Peripheral type neurofibromatosis; Neurofibromatosis, type I. Identifiers: Orphanet 636, MedGen C0027831, MONDO:0018975, OMIM 162200. Disease mechanism: loss of function.

Allele frequency attached by ClinVar (database versions not stated): gnomAD exomes below 0.00001; ExAC 0.00001.
gnomAD v4.1: 1 of 1,614,052 alleles (0.000062%); highest among the groups gnomAD compares: South Asian, 0.0011%; no homozygotes.

Submissions (2):

Ambry Genetics
Classification: Uncertain significance for Cardiovascular phenotype; Hereditary cancer-predisposing syndrome. Last evaluated: 2023-02-04. Review status: criteria provided, single submitter. Criteria: Ambry Variant Classification Scheme 2023. Collection method: clinical testing. Allele origin: germline.
Comment: The p.H1473R variant (also known as c.4418A>G), located in coding exon 33 of the NF1 gene, results from an A to G substitution at nucleotide position 4418. The histidine at codon 1473 is replaced by arginine, an amino acid with highly similar properties. This amino acid position is conserved. In addition, this alteration is predicted to be deleterious by in silico analysis. Since supporting evidence is limited at this time, the clinical significance of this alteration remains unclear.

Labcorp Genetics (formerly Invitae), Labcorp
Classification: Uncertain significance for Neurofibromatosis, type 1. Last evaluated: 2020-12-03. Review status: criteria provided, single submitter. Criteria: Invitae Variant Classification Sherloc (09022015). Collection method: clinical testing. Allele origin: germline.
Comment: This sequence change replaces histidine with arginine at codon 1473 of the NF1 protein (p.His1473Arg). The histidine residue is moderately conserved and there is a small physicochemical difference between histidine and arginine. This variant is present in population databases (rs769417700, ExAC 0.006%). In summary, the available evidence is currently insufficient to determine the role of this variant in disease. Therefore, it has been classified as a Variant of Uncertain Significance. Advanced modeling of protein sequence and biophysical properties (such as structural, functional, and spatial information, amino acid conservation, physicochemical variation, residue mobility, and thermodynamic stability) performed at Invitae indicates that this missense variant is expected to disrupt NF1 protein function. This variant has not been reported in the literature in individuals with NF1-related conditions.